The following is an entry in ClinVar:

NM_006231.4(POLE):c.578+33G>A

Gene: POLE (DNA polymerase epsilon, catalytic subunit; minus strand). Cytogenetic location: 12q24.33.
Variant type: single nucleotide variant.
Coding change: c.578+33G>A on transcript NM_006231.4 (MANE Select); 33 bases into the intron after coding-DNA position 578, G replaced by A.
Molecular consequence: intron variant.
Genome position (GRCh38, 1-based): chr12:132,679,464, C>T on the plus strand (G>A on the coding strand, the complement: POLE is on the minus strand). VCF-style: chr12-132679464-C-T. GRCh37 (hg19) VCF-style: chr12-133256050-C-T.
Identifiers: ClinVar variation 4539355 (VCV004539355.1).

ClinVar aggregate classification (germline): Likely benign (1 of 4 stars; one submission).

gnomAD v4.1: 17 of 1,582,270 alleles (0.0011%); highest among the groups gnomAD compares: Middle Eastern, 0.018%; no homozygotes.

Submission:

Center for Genomic Medicine, Rigshospitalet, Copenhagen University Hospital
Classification: Likely benign. Last evaluated: 2025-12-29. Review status: criteria provided, single submitter. Criteria: ACMG Guidelines, 2015. Collection method: clinical testing. Allele origin: germline.
Comment: Classification criteria: BS1